The following continues an entry in ClinVar:

NM_000518.5(HBB):c.47G>A (p.Trp16Ter)

ClinVar aggregate classification (germline): Pathogenic. Pathogenic (14).

Submissions 14 to 17 of 17:

Neuberg Centre For Genomic Medicine, NCGM
Classification: Pathogenic for Beta-thalassemia HBB/LCRB. Review status: criteria provided, single submitter. Criteria: ACMG Guidelines, 2015. Collection method: clinical testing. Allele origin: germline. Inheritance: Autosomal recessive inheritance. Affected: yes.
Comment: The stop gain c.47G>A (p.Trp16Ter) variant in the HBB gene has been reported previously in both homozygous and compound heterozygous states in multiple individuals affected with beta-thalassemia and is also one of the most common HBB variants causing beta-thalassemia (Yasmeen et al. 2016; Panja et al. 2017). The p.Trp16Ter variant is reported with an allele frequency of 0.008% in the gnomAD exomes database. This variant has been reported to the ClinVar database as Pathogenic (multiple submissions). This variant is predicted to cause a loss of normal protein function through protein truncation. Loss of function variants has been previously reported to be disease-causing. For these reasons, this variant has been classified as Pathogenic. As this variant in HBB gene is in heterozygous state, it is suggestive of Beta thalassemia trait.

MOLECULAR BIOLOGY AND HUMAN GENETICS DIVISION, THE UNIVERSITY OF BURDWAN
Classification: Pathogenic for Beta-thalassemia HBB/LCRB. Last evaluated: 2024-05-07. Review status: no assertion criteria provided. Collection method: clinical testing. Allele origin: germline. Affected: yes. Observed: 22 variant alleles. Not counted in ClinVar's aggregate classification.
Comment: The HBB c.47G>A; p.Trp16Ter variant, it is a beta 0 type of mutation, The variant introduce a premature termination codon results into nonsense mediated decay of HBB mRNA. The frequency of this variant among thalassemia patient in Eastern India is 2.10 % as per our multicentric project - A Genetic Diagnostic Algorithm Based Study for Thalassemia in Northern and Eastern Indian Populations", Funded by Dept. of Biotechnology , Govt of India [Project No. BT/PR26461/MED/12/821/2018]

The ITHANET community portal, The Cyprus Institute of Neurology and Genetics
Classification: Pathogenic for beta Thalassemia. Last evaluated: 2019-11-25. Review status: no assertion criteria provided. Collection method: curation. Allele origin: germline. Not counted in ClinVar's aggregate classification.

OMIM
Classification: Pathogenic for BETA-ZERO-THALASSEMIA. Last evaluated: 1992-04-01. Review status: no assertion criteria provided. Collection method: literature only. Allele origin: germline. Not counted in ClinVar's aggregate classification.

Literature cited by the submitters: PubMed 1581247 (cited by 3 submitters); PubMed 6714226 (cited by 3 submitters); PubMed 7668221 (cited by Labcorp Genetics (formerly Invitae), Labcorp and Quest Diagnostics Nichols Institute San Juan Capistrano); PubMed 18294253 (cited by Labcorp Genetics (formerly Invitae), Labcorp and Myriad Genetics, Inc.); PubMed 20395516 (cited by Labcorp Genetics (formerly Invitae), Labcorp); PubMed 27263053 (cited by 4 submitters); PubMed 27828729 (cited by Labcorp Genetics (formerly Invitae), Labcorp and Center for Genomic Medicine, Rigshospitalet, Copenhagen University Hospital); PubMed 20665635 (cited by Natera, Inc.); PubMed 21389146 (cited by 3 submitters); PubMed 15278762 (cited by Myriad Genetics, Inc. and Women's Health and Genetics/Laboratory Corporation of America, LabCorp); PubMed 2298457 (cited by Quest Diagnostics Nichols Institute San Juan Capistrano); PubMed 22975760 (cited by Quest Diagnostics Nichols Institute San Juan Capistrano); PubMed 9101288 (cited by The ITHANET community portal, The Cyprus Institute of Neurology and Genetics); Kazazian, H. H., Jr. Personal Communication. 1982. Baltimore, Md. (cited by OMIM).